The following is an entry in ClinVar:

NM_018344.6(SLC29A3):c.676G>T (p.Val226Leu)

Gene: SLC29A3 (solute carrier family 29 member 3; plus strand). Cytogenetic location: 10q22.1.
Variant type: single nucleotide variant.
Coding change: c.676G>T on transcript NM_018344.6 (MANE Select); coding-DNA position 676, G replaced by T.
Protein change: p.Val226Leu; replaces valine 226 with leucine.
Molecular consequence: missense variant. On other transcripts: non-coding transcript variant (2).
Genome position (GRCh38, 1-based): chr10:71,356,146, G>T. VCF-style: chr10-71356146-G-T. GRCh37 (hg19) VCF-style: chr10-73115903-G-T.
Other names: c.676G>T, p.Val226Leu (NM_001174098.2); c.442G>T, p.Val148Leu (NM_001363518.2); short protein forms V148L, V226L.
Identifiers: ClinVar variation 1051740 (VCV001051740.9), dbSNP rs750920341, ClinGen allele CA377111339.

ClinVar aggregate classification (germline): Uncertain significance (1 of 4 stars; one submission).

Conditions:
H syndrome. Also called: FAISALABAD HISTIOCYTOSIS; Histiocytosis with joint contractures and sensorineural deafness; Asrar Facharzt Haque syndrome; HISTIOCYTOSIS AND LYMPHADENOPATHY WITH OR WITHOUT CUTANEOUS, CARDIAC, AND/OR ENDOCRINE FEATURES, JOINT CONTRACTURES, AND/OR DEAFNESS; HYPERPIGMENTATION, CUTANEOUS, WITH HYPERTRICHOSIS, HEPATOSPLENOMEGALY, HEART ANOMALIES, AND HYPOGONADISM WITH OR WITHOUT HEARING LOSS; PIGMENTED HYPERTRICHOSIS WITH INSULIN-DEPENDENT DIABETES MELLITUS. Identifiers: Orphanet 168569, MedGen C1864445, MONDO:0011273, OMIM 602782.

Submission:

Labcorp Genetics (formerly Invitae), Labcorp
Classification: Uncertain significance for H syndrome. Last evaluated: 2020-08-02. Review status: criteria provided, single submitter. Criteria: Invitae Variant Classification Sherloc (09022015). Collection method: clinical testing. Allele origin: germline.
Comment: In summary, the available evidence is currently insufficient to determine the role of this variant in disease. Therefore, it has been classified as a Variant of Uncertain Significance. Algorithms developed to predict the effect of missense changes on protein structure and function are either unavailable or do not agree on the potential impact of this missense change (SIFT: "Tolerated"; PolyPhen-2: "Possibly Damaging"; Align-GVGD: "Class C0"). This variant has not been reported in the literature in individuals with SLC29A3-related conditions. This variant is not present in population databases (ExAC no frequency). This sequence change replaces valine with leucine at codon 226 of the SLC29A3 protein (p.Val226Leu). The valine residue is highly conserved and there is a small physicochemical difference between valine and leucine.